The following is an entry in ClinVar:

NM_194279.4(ISCA2):c.200C>T (p.Ser67Leu)

Gene: ISCA2 (iron-sulfur cluster assembly 2; plus strand). Cytogenetic location: 14q24.3.
Variant type: single nucleotide variant.
Coding change: c.200C>T on transcript NM_194279.4 (MANE Select); coding-DNA position 200, C replaced by T.
Protein change: p.Ser67Leu; replaces serine 67 with leucine.
Molecular consequence: missense variant. On other transcripts: intron variant (1).
Genome position (GRCh38, 1-based): chr14:74,494,300, C>T. VCF-style: chr14-74494300-C-T. GRCh37 (hg19) VCF-style: chr14-74961003-C-T.
Other names: c.174+148C>T (NM_001272007.2); short protein forms S67L.
Identifiers: ClinVar variation 1713685 (VCV001713685.5), dbSNP rs2506119341, ClinGen allele CA390378408.

ClinVar aggregate classification (germline): Uncertain significance (1 of 4 stars; one submission).

Submission:

Labcorp Genetics (formerly Invitae), Labcorp
Classification: Uncertain significance. Last evaluated: 2022-10-17. Review status: criteria provided, single submitter. Criteria: Invitae Variant Classification Sherloc (09022015). Collection method: clinical testing. Allele origin: germline.
Comment: This sequence change replaces serine, which is neutral and polar, with leucine, which is neutral and non-polar, at codon 67 of the ISCA2 protein (p.Ser67Leu). This variant is not present in population databases (gnomAD no frequency). This variant has not been reported in the literature in individuals affected with ISCA2-related conditions. Algorithms developed to predict the effect of missense changes on protein structure and function are either unavailable or do not agree on the potential impact of this missense change (SIFT: "Tolerated"; PolyPhen-2: "Benign"; Align-GVGD: "Class C25"). Algorithms developed to predict the effect of sequence changes on RNA splicing suggest that this variant may disrupt the consensus splice site. In summary, the available evidence is currently insufficient to determine the role of this variant in disease. Therefore, it has been classified as a Variant of Uncertain Significance.